The following is an entry in ClinVar:

NM_201589.4(MAFA):c.690C>G (p.Asp230Glu)

Gene: MAFA (MAF bZIP transcription factor A; minus strand). Cytogenetic location: 8q24.3.
Variant type: single nucleotide variant.
Coding change: c.690C>G on transcript NM_201589.4 (MANE Select); coding-DNA position 690, C replaced by G.
Protein change: p.Asp230Glu; replaces aspartic acid 230 with glutamic acid.
Molecular consequence: missense variant.
Genome position (GRCh38, 1-based): chr8:143,429,717, G>C on the plus strand (C>G on the coding strand, the complement: MAFA is on the minus strand). VCF-style: chr8-143429717-G-C. GRCh37 (hg19) VCF-style: chr8-144511887-G-C.
Other names: short protein forms D230E.
Identifiers: ClinVar variation 4982559 (VCV004982559.1).

ClinVar aggregate classification (germline): Likely benign (1 of 4 stars; one submission).

Conditions:
MAFA-related disorder. Also called: MAFA-related condition.

gnomAD v4.1: 397 of 1,559,746 alleles (0.025%); highest among the groups gnomAD compares: South Asian, 0.42%; 3 homozygotes.

Submission:

PreventionGenetics, part of Exact Sciences
Classification: Likely benign for MAFA-related condition. Last evaluated: 2025-11-18. Review status: criteria provided, single submitter. Criteria: ACMG Guidelines, 2015. Collection method: clinical testing. Allele origin: germline.
Comment: This variant is classified as likely benign based on ACMG/AMP sequence variant interpretation guidelines (Richards et al. 2015 PMID: 25741868, with internal and published modifications).